The following is an entry in ClinVar:

NM_001943.5(DSG2):c.1879+317T>C

Gene: DSG2 (desmoglein 2; plus strand). Cytogenetic location: 18q12.1.
Variant type: single nucleotide variant.
Coding change: c.1879+317T>C on transcript NM_001943.5 (MANE Select); 317 bases into the intron after coding-DNA position 1879, T replaced by C.
Molecular consequence: intron variant.
Genome position (GRCh38, 1-based): chr18:31,539,295, T>C. VCF-style: chr18-31539295-T-C. GRCh37 (hg19) VCF-style: chr18-29119258-T-C.
Identifiers: ClinVar variation 683477 (VCV000683477.1), dbSNP rs1791174, ClinGen allele CA14513523.

ClinVar aggregate classification (germline): Benign (1 of 4 stars; one submission).

Allele frequency attached by ClinVar (database versions not stated): gnomAD 0.22617 and 0.23381; TOPMed 0.24548; 1000 Genomes Project 0.24820; 1000 Genomes Project 30x 0.25562.
gnomAD v4.1: 34,299 of 152,128 alleles (23%); highest among the groups gnomAD compares: African/African-American, 49%; 5,981 homozygotes.

Submission:

GeneDx
Classification: Benign. Last evaluated: 2018-06-18. Review status: criteria provided, single submitter. Criteria: GeneDx Variant Classification (06012015). Collection method: clinical testing. Allele origin: germline. Affected: yes.
Comment: This variant is considered likely benign or benign based on one or more of the following criteria: it is a conservative change, it occurs at a poorly conserved position in the protein, it is predicted to be benign by multiple in silico algorithms, and/or has population frequency not consistent with disease.